The following is an entry in ClinVar:

NM_001085487.3(MYSM1):c.368T>C (p.Ile123Thr)

Gene: MYSM1 (Myb like, SWIRM and MPN domains 1; minus strand). Cytogenetic location: 1p32.1.
Variant type: single nucleotide variant.
Coding change: c.368T>C on transcript NM_001085487.3 (MANE Select); coding-DNA position 368, T replaced by C.
Protein change: p.Ile123Thr; replaces isoleucine 123 with threonine.
Molecular consequence: missense variant.
Genome position (GRCh38, 1-based): chr1:58,689,069, A>G on the plus strand (T>C on the coding strand, the complement: MYSM1 is on the minus strand). VCF-style: chr1-58689069-A-G. GRCh37 (hg19) VCF-style: chr1-59154741-A-G.
Other names: c.368T>C (NM_001085487.2); short protein forms I123T.
Identifiers: ClinVar variation 1480263 (VCV001480263.7), dbSNP rs371554081, ClinGen allele CA878041.
Genomic context (GRCh38, chr1:58,689,069, plus strand): 5'-TACTAAAAATTTAAAATTGCTCTATTTACCAGCCCTTGTTCAAACAGCTCTTTTTCTTCT[A>G]TCGTCCACTTTACTGAGTAACTGGCTGGTTTTGTAGGAGAGTGTACCCTGAGGGGAAAAA-3'
Protein context (NP_001078956.1, residues 113-133): KPASYSVKWT[Ile123Thr]EEKELFEQGL

ClinVar aggregate classification (germline): Uncertain significance. Review status: criteria provided, multiple submitters, no conflicts (2 of 4 stars). 2 submissions from 2 submitters: Uncertain significance (2). Last evaluated 2024-10-07.

Conditions:
Inborn genetic diseases. Identifiers: MedGen C0950123, MeSH D030342.

Allele frequency attached by ClinVar (database versions not stated): ExAC 0.00002; gnomAD 0.00003 and 0.00004; gnomAD exomes 0.00003 and 0.00004; TOPMed 0.00003; ESP Exome Variant Server 0.00009.
gnomAD v4.1: 67 of 1,611,686 alleles (0.0042%); highest among the groups gnomAD compares: Non-Finnish European, 0.004%; no homozygotes.

Submissions (2):

Labcorp Genetics (formerly Invitae), Labcorp
Classification: Uncertain significance. Last evaluated: 2024-10-07. Review status: criteria provided, single submitter. Criteria: Invitae Variant Classification Sherloc (09022015). Collection method: clinical testing. Allele origin: germline.
Comment: This sequence change replaces isoleucine, which is neutral and non-polar, with threonine, which is neutral and polar, at codon 123 of the MYSM1 protein (p.Ile123Thr). This variant is present in population databases (rs371554081, gnomAD 0.05%). This variant has not been reported in the literature in individuals affected with MYSM1-related conditions. ClinVar contains an entry for this variant (Variation ID: 1480263). Invitae Evidence Modeling of protein sequence and biophysical properties (such as structural, functional, and spatial information, amino acid conservation, physicochemical variation, residue mobility, and thermodynamic stability) indicates that this missense variant is not expected to disrupt MYSM1 protein function with a negative predictive value of 80%. In summary, the available evidence is currently insufficient to determine the role of this variant in disease. Therefore, it has been classified as a Variant of Uncertain Significance.

Ambry Genetics
Classification: Uncertain significance for Inborn genetic diseases. Last evaluated: 2024-07-05. Review status: criteria provided, single submitter. Criteria: Ambry Variant Classification Scheme 2023. Collection method: clinical testing. Allele origin: germline.